The following is an entry in ClinVar:

NM_001297.5(CNGB1):c.2839G>C (p.Asp947His)

Gene: CNGB1 (cyclic nucleotide gated channel subunit beta 1; minus strand). Cytogenetic location: 16q21.
Variant type: single nucleotide variant.
Coding change: c.2839G>C on transcript NM_001297.5 (MANE Select); coding-DNA position 2839, G replaced by C.
Protein change: p.Asp947His; replaces aspartic acid 947 with histidine.
Molecular consequence: missense variant.
Genome position (GRCh38, 1-based): chr16:57,901,581, C>G on the plus strand (G>C on the coding strand, the complement: CNGB1 is on the minus strand). VCF-style: chr16-57901581-C-G. GRCh37 (hg19) VCF-style: chr16-57935485-C-G.
Other names: c.2821G>C, p.Asp941His (NM_001286130.2); short protein forms D947H, D941H.
Identifiers: ClinVar variation 1954489 (VCV001954489.5), dbSNP rs1273551753, ClinGen allele CA396055931.
Genomic context (GRCh38, chr16:57,901,581, plus strand): 5'-GGTGTACCTGAAAGAGTGCGACTTTGCTAACGATGTTGTAGTTCACGTCGATGGCGAGGT[C>G]CAGCCGCATCTTGTCTGGAAGCTGCACCATCAGCTCTGACTCATCTGTGAACAAGGCCTG-3'
Protein context (NP_001288.3, residues 937-957): MVQLPDKMRL[Asp947His]LAIDVNYNIV

ClinVar aggregate classification (germline): Uncertain significance (1 of 4 stars; one submission).

Allele frequency attached by ClinVar (database versions not stated): TOPMed below 0.00001; gnomAD exomes 0.00001.
gnomAD v4.1: 15 of 1,614,130 alleles (0.00093%); highest among the groups gnomAD compares: Non-Finnish European, 0.0013%; no homozygotes.

Submission:

Labcorp Genetics (formerly Invitae), Labcorp
Classification: Uncertain significance. Last evaluated: 2022-05-10. Review status: criteria provided, single submitter. Criteria: Invitae Variant Classification Sherloc (09022015). Collection method: clinical testing. Allele origin: germline.
Comment: This variant has not been reported in the literature in individuals affected with CNGB1-related conditions. This variant is present in population databases (no rsID available, gnomAD 0.0009%). This sequence change replaces aspartic acid, which is acidic and polar, with histidine, which is basic and polar, at codon 947 of the CNGB1 protein (p.Asp947His). In summary, the available evidence is currently insufficient to determine the role of this variant in disease. Therefore, it has been classified as a Variant of Uncertain Significance. Algorithms developed to predict the effect of missense changes on protein structure and function are either unavailable or do not agree on the potential impact of this missense change (SIFT: "Deleterious"; PolyPhen-2: "Benign"; Align-GVGD: "Class C65").